The following is an entry in ClinVar:

NM_001783.4(CD79A):c.677C>T (p.Pro226Leu)

Genes: CD79A (CD79a molecule; plus strand), RPS19-CD79A (RPS19-CD79A readthrough; plus strand). Cytogenetic location: 19q13.2.
Variant type: single nucleotide variant.
Coding change: c.677C>T on transcript NM_001783.4 (MANE Select); coding-DNA position 677, C replaced by T.
Protein change: p.Pro226Leu; replaces proline 226 with leucine.
Molecular consequence: missense variant.
Genome position (GRCh38, 1-based): chr19:41,880,976, C>T. VCF-style: chr19-41880976-C-T. GRCh37 (hg19) VCF-style: chr19-42385043-C-T.
Other names: c.563C>T, p.Pro188Leu (NM_021601.4); short protein forms P188L, P226L.
Identifiers: ClinVar variation 1057644 (VCV001057644.7), dbSNP rs1555844167, ClinGen allele CA406038438.

ClinVar aggregate classification (germline): Uncertain significance (1 of 4 stars; one submission).

Conditions:
Agammaglobulinemia 3, autosomal recessive (AGM3). Also called: AGAMMAGLOBULINEMIA 3; AGAMMAGLOBULINEMIA, AUTOSOMAL RECESSIVE, DUE TO CD79A DEFECT. Identifiers: MedGen C3150751, MONDO:0013288, OMIM 613501.

Allele frequency attached by ClinVar (database versions not stated): gnomAD exomes 0.00001; TOPMed 0.00001.

Submission:

Labcorp Genetics (formerly Invitae), Labcorp
Classification: Uncertain significance for Agammaglobulinemia 3, autosomal recessive. Last evaluated: 2020-10-26. Review status: criteria provided, single submitter. Criteria: Invitae Variant Classification Sherloc (09022015). Collection method: clinical testing. Allele origin: germline.
Comment: This variant is not present in population databases (ExAC no frequency). This sequence change replaces proline with leucine at codon 226 of the CD79A protein (p.Pro226Leu). The proline residue is moderately conserved and there is a moderate physicochemical difference between proline and leucine. This variant has not been reported in the literature in individuals with CD79A-related conditions. In summary, the available evidence is currently insufficient to determine the role of this variant in disease. Therefore, it has been classified as a Variant of Uncertain Significance. Algorithms developed to predict the effect of missense changes on protein structure and function are either unavailable or do not agree on the potential impact of this missense change (SIFT: "Deleterious"; PolyPhen-2: "Probably Damaging"; Align-GVGD: "Class C0").